The following is an entry in ClinVar:

ClinVar aggregate classification (germline): Pathogenic (0 of 4 stars; one submission).

Conditions:
Pineoblastoma. Identifiers: Orphanet 251909, MedGen C0205898, MONDO:0016722, HP:0030408.

Submission:

Center for Precision Oncology and Cancer Prevention, Roswell Park Comprehensive Cancer Center
Classification: Pathogenic for Pineoblastoma. Last evaluated: 2024-11-22. Review status: no assertion criteria provided. Collection method: clinical testing. Allele origin: germline. Inheritance: Autosomal dominant inheritance. Affected: yes.

NM_001382508.1(DROSHA):c.3548del (p.Asn1183fs)

Gene: DROSHA (drosha ribonuclease III; minus strand). Cytogenetic location: 5p13.3.
Variant type: Deletion.
Coding change: c.3548del on transcript NM_001382508.1 (MANE Select); coding-DNA position 3548, one base deleted (A; older notation c.3548delA).
Protein change: p.Asn1183fs; shifts the reading frame from asparagine 1183.
Molecular consequence: frameshift variant.
Genome position (GRCh38, 1-based): chr5:31,410,865, T deleted on the plus strand (A on the coding strand, the reverse complement: DROSHA is on the minus strand); the first of 2 consecutive T bases (chr5:31,410,865-31,410,866); deleting either gives the same sequence. VCF-style (leftmost placement, unchanged base first): chr5-31410864-AT-A. GRCh37 (hg19) VCF-style: chr5-31410971-AT-A.
Other names: c.3437del, p.Asn1146fs (NM_001100412.2); c.3548del, p.Asn1183fs (NM_013235.5); short protein forms N1146fs, N1183fs.
Identifiers: ClinVar variation 3393489 (VCV003393489.1).